The following is an entry in ClinVar:

NM_001408.3(CELSR2):c.2239A>G (p.Ile747Val)

Gene: CELSR2 (cadherin EGF LAG seven-pass G-type receptor 2; plus strand). Cytogenetic location: 1p13.3.
Variant type: single nucleotide variant.
Coding change: c.2239A>G on transcript NM_001408.3 (MANE Select); coding-DNA position 2239, A replaced by G.
Protein change: p.Ile747Val; replaces isoleucine 747 with valine.
Molecular consequence: missense variant.
Genome position (GRCh38, 1-based): chr1:109,252,318, A>G. VCF-style: chr1-109252318-A-G. GRCh37 (hg19) VCF-style: chr1-109794940-A-G.
Other names: short protein forms I747V.
Identifiers: ClinVar variation 4762262 (VCV004762262.1).
Genomic context (GRCh38, chr1:109,252,318, plus strand): 5'-GCAGGCACCACGGTGGTGCTGATCAGCGCCACGGATGAGGACACAGGTGAGAATGCCCGC[A>G]TCACCTACTTCATGGAGGACAGCATCCCCCAGTTCCGCATCGATGCAGACACGGGGGCTG-3'
Protein context (NP_001399.1, residues 737-757): TDEDTGENAR[Ile747Val]TYFMEDSIPQ

ClinVar aggregate classification (germline): Uncertain significance (1 of 4 stars; one submission).

gnomAD v4.1: 14 of 1,613,192 alleles (0.00087%); highest among the groups gnomAD compares: East Asian, 0.0022%; no homozygotes.

Submission:

Labcorp Genetics (formerly Invitae), Labcorp
Classification: Uncertain significance. Last evaluated: 2025-02-26. Review status: criteria provided, single submitter. Criteria: Invitae Variant Classification Sherloc (09022015). Collection method: clinical testing. Allele origin: germline.
Comment: This sequence change replaces isoleucine, which is neutral and non-polar, with valine, which is neutral and non-polar, at codon 747 of the CELSR2 protein (p.Ile747Val). This variant is present in population databases (rs769628754, gnomAD 0.006%). This variant has not been reported in the literature in individuals affected with CELSR2-related conditions. Invitae Evidence Modeling of protein sequence and biophysical properties (such as structural, functional, and spatial information, amino acid conservation, physicochemical variation, residue mobility, and thermodynamic stability) indicates that this missense variant is expected to disrupt CELSR2 protein function with a positive predictive value of 80%. In summary, the available evidence is currently insufficient to determine the role of this variant in disease. Therefore, it has been classified as a Variant of Uncertain Significance.